The following is an entry in ClinVar:

NM_001142800.2(EYS):c.6626G>A (p.Arg2209Lys)

Gene: EYS (EGF-like photoreceptor maintenance factor; minus strand). Cytogenetic location: 6q12.
Variant type: single nucleotide variant.
Coding change: c.6626G>A on transcript NM_001142800.2 (MANE Select); coding-DNA position 6626, G replaced by A.
Protein change: p.Arg2209Lys; replaces arginine 2209 with lysine.
Molecular consequence: missense variant.
Genome position (GRCh38, 1-based): chr6:64,066,437, C>T on the plus strand (G>A on the coding strand, the complement: EYS is on the minus strand). VCF-style: chr6-64066437-C-T. GRCh37 (hg19) VCF-style: chr6-64776330-C-T.
Other names: c.6626G>A, p.Arg2209Lys (NM_001292009.2); short protein forms R2209K.
Identifiers: ClinVar variation 969982 (VCV000969982.9), dbSNP rs761797334, ClinGen allele CA3876893.
Genomic context (GRCh38, chr6:64,066,437, plus strand): 5'-TAATTAGCAGAAACAGTCAAAATATTTTGAGAATTTCCACACCCATATTTAACTGATGGC[C>T]TTCCTTCCACAAGAAATAAATGAAGAAACTGCTTTCCACAATTATTCCCATTACCTTTAA-3'
Protein context (NP_001136272.1, residues 2199-2219): QFLHLFLVEG[Arg2209Lys]PSVKYGCGNS

ClinVar aggregate classification (germline): Conflicting classifications of pathogenicity. Review status: criteria provided, conflicting classifications (1 of 4 stars). 4 submissions from 4 submitters: Uncertain significance (2); Likely benign (1). 1 of the submissions does not count toward it. Last evaluated 2025-11-26.

Conditions:
Retinitis pigmentosa 25 (RP25). Identifiers: Orphanet 791, MedGen C1864446, MONDO:0011272, OMIM 602772.
Inborn genetic diseases. Identifiers: MedGen C0950123, MeSH D030342.

Allele frequency attached by ClinVar (database versions not stated): gnomAD 0.00001; gnomAD exomes 0.00001 and 0.00002; TOPMed 0.00002; ExAC 0.00005.
gnomAD v4.1: 27 of 1,549,094 alleles (0.0017%); highest among the groups gnomAD compares: Non-Finnish European, 0.0023%; no homozygotes.

Submissions (4):

Ambry Genetics
Classification: Likely benign for Inborn genetic diseases. Last evaluated: 2025-11-26. Review status: criteria provided, single submitter. Criteria: Ambry Variant Classification Scheme 2023. Collection method: clinical testing. Allele origin: germline.

Labcorp Genetics (formerly Invitae), Labcorp
Classification: Uncertain significance. Last evaluated: 2024-02-26. Review status: criteria provided, single submitter. Criteria: Invitae Variant Classification Sherloc (09022015). Collection method: clinical testing. Allele origin: germline.
Comment: This sequence change replaces arginine, which is basic and polar, with lysine, which is basic and polar, at codon 2209 of the EYS protein (p.Arg2209Lys). This variant is present in population databases (rs761797334, gnomAD 0.006%). This variant has not been reported in the literature in individuals affected with EYS-related conditions. ClinVar contains an entry for this variant (Variation ID: 969982). Algorithms developed to predict the effect of missense changes on protein structure and function output the following: SIFT: "Not Available"; PolyPhen-2: "Benign"; Align-GVGD: "Not Available". The lysine amino acid residue is found in multiple mammalian species, which suggests that this missense change does not adversely affect protein function. In summary, the available evidence is currently insufficient to determine the role of this variant in disease. Therefore, it has been classified as a Variant of Uncertain Significance.

Blueprint Genetics
Classification: Uncertain significance. Last evaluated: 2022-10-13. Review status: criteria provided, single submitter. Criteria: ACMG Guidelines, 2015. Collection method: clinical testing. Allele origin: germline.

Natera, Inc.
Classification: Uncertain significance for Retinitis pigmentosa type 25. Last evaluated: 2021-01-12. Review status: no assertion criteria provided. Collection method: clinical testing. Allele origin: germline. Not counted in ClinVar's aggregate classification.